The following is an entry in ClinVar:

ClinVar aggregate classification (germline): Uncertain significance (1 of 4 stars; one submission).

gnomAD v4.1: 4 of 1,613,682 alleles (0.00025%); highest among the groups gnomAD compares: Non-Finnish European, 0.00025%; no homozygotes.

Submission:

Labcorp Genetics (formerly Invitae), Labcorp
Classification: Uncertain significance. Last evaluated: 2022-12-02. Review status: criteria provided, single submitter. Criteria: Invitae Variant Classification Sherloc (09022015). Collection method: clinical testing. Allele origin: germline.
Comment: In summary, the available evidence is currently insufficient to determine the role of this variant in disease. Therefore, it has been classified as a Variant of Uncertain Significance. Advanced modeling of protein sequence and biophysical properties (such as structural, functional, and spatial information, amino acid conservation, physicochemical variation, residue mobility, and thermodynamic stability) performed at Invitae indicates that this missense variant is not expected to disrupt MAGEL2 protein function. This variant has not been reported in the literature in individuals affected with MAGEL2-related conditions. This variant is not present in population databases (gnomAD no frequency). This sequence change replaces threonine, which is neutral and polar, with isoleucine, which is neutral and non-polar, at codon 874 of the MAGEL2 protein (p.Thr874Ile).

NM_019066.5(MAGEL2):c.2621C>T (p.Thr874Ile)

Gene: MAGEL2 (MAGE family member L2; minus strand). Cytogenetic location: 15q11.2.
Variant type: single nucleotide variant.
Coding change: c.2621C>T on transcript NM_019066.5 (MANE Select); coding-DNA position 2621, C replaced by T.
Protein change: p.Thr874Ile; replaces threonine 874 with isoleucine.
Molecular consequence: missense variant.
Genome position (GRCh38, 1-based): chr15:23,645,122, G>A on the plus strand (C>T on the coding strand, the complement: MAGEL2 is on the minus strand). VCF-style: chr15-23645122-G-A. GRCh37 (hg19) VCF-style: chr15-23890269-G-A.
Other names: short protein forms T874I.
Identifiers: ClinVar variation 2797969 (VCV002797969.3), dbSNP rs1890366558, ClinGen allele CA391330637.
Genomic context (GRCh38, chr15:23,645,122, plus strand): 5'-GCTTCCAGATGCTTCTTCTTCCGGGTGGCCTTGCCGGAGCGGCGTGGCGGCTCGACGGAG[G>A]TCTTGGAGGCCTCTTGAGTGGTGGCAGTTGCCTGGGGGGCAGCTGCTGTAGCCATCAGGA-3'
Protein context (NP_061939.3, residues 864-884): ATATTQEASK[Thr874Ile]SVEPPRRSGK